The following is an entry in ClinVar:

NM_002471.4(MYH6):c.3979-15_3979-14delinsA

Gene: MYH6 (myosin heavy chain 6; minus strand). Cytogenetic location: 14q11.2.
Variant type: Indel.
Coding change: c.3979-15_3979-14delinsA on transcript NM_002471.4 (MANE Select); 15 bases into the intron before coding-DNA position 3979 through 14 bases into the intron before coding-DNA position 3979, CC replaced by A.
Molecular consequence: intron variant.
Genome position (GRCh38, 1-based): chr14:23,389,069-23,389,070, GG replaced by T on the plus strand (CC replaced by A on the coding strand, the reverse complement: MYH6 is on the minus strand). VCF-style: chr14-23389069-GG-T. GRCh37 (hg19) VCF-style: chr14-23858278-GG-T.
Other names: c.3979-15_3979-14delCCinsA (NM_002471.3).
Identifiers: ClinVar variation 518133 (VCV000518133.1), dbSNP rs1555333587, ClinGen allele CA658798181.

ClinVar aggregate classification (germline): Likely benign (1 of 4 stars; one submission).

Submission:

GeneDx
Classification: Likely benign. Last evaluated: 2017-06-20. Review status: criteria provided, single submitter. Criteria: GeneDx Variant Classification (06012015). Collection method: clinical testing. Allele origin: germline. Affected: yes.
Comment: This variant is considered likely benign or benign based on one or more of the following criteria: it is a conservative change, it occurs at a poorly conserved position in the protein, it is predicted to be benign by multiple in silico algorithms, and/or has population frequency not consistent with disease.